The following is an entry in ClinVar:

ClinVar aggregate classification (germline): Uncertain significance. Review status: criteria provided, multiple submitters, no conflicts (2 of 4 stars). 2 submissions from 2 submitters: Uncertain significance (2). Last evaluated 2025-08-08.

Conditions:
Glycogen storage disease IV, classic hepatic. Also called: GSD IV, CLASSIC HEPATIC. Identifiers: MedGen C1856301.
Glycogen storage disease, type IV (GSD4). Also called: CIRRHOSIS, FAMILIAL, WITH DEPOSITION OF ABNORMAL GLYCOGEN; GBE1 DEFICIENCY; GLYCOGEN BRANCHING ENZYME DEFICIENCY; GLYCOGENOSIS IV; GSD IV; AMYLOPECTINOSIS. Identifiers: Orphanet 367, MedGen C0017923, MONDO:0009292, OMIM 232500.

Allele frequency attached by ClinVar (database versions not stated): ExAC 0.00001; gnomAD 0.00001; gnomAD exomes 0.00001; TOPMed 0.00002.
gnomAD v4.1: 5 of 1,611,608 alleles (0.00031%); highest among the groups gnomAD compares: Admixed American, 0.0084%; no homozygotes.

Submissions (2):

GeneDx
Classification: Uncertain significance. Last evaluated: 2025-08-08. Review status: criteria provided, single submitter. Criteria: GeneDx Variant Classification Process June 2021. Collection method: clinical testing. Allele origin: germline. Affected: yes.
Comment: Not observed at significant frequency in large population cohorts (gnomAD); In silico analysis supports that this missense variant has a deleterious effect on protein structure/function; Has not been previously published as pathogenic or benign to our knowledge

Labcorp Genetics (formerly Invitae), Labcorp
Classification: Uncertain significance for Glycogen storage disease, type IV; Glycogen storage disease IV, classic hepatic. Last evaluated: 2022-08-16. Review status: criteria provided, single submitter. Criteria: Invitae Variant Classification Sherloc (09022015). Collection method: clinical testing. Allele origin: germline.
Comment: This sequence change replaces glutamine, which is neutral and polar, with leucine, which is neutral and non-polar, at codon 270 of the GBE1 protein (p.Gln270Leu). This variant is present in population databases (rs767267597, gnomAD 0.009%). This variant has not been reported in the literature in individuals affected with GBE1-related conditions. Advanced modeling of protein sequence and biophysical properties (such as structural, functional, and spatial information, amino acid conservation, physicochemical variation, residue mobility, and thermodynamic stability) performed at Invitae indicates that this missense variant is not expected to disrupt GBE1 protein function. In summary, the available evidence is currently insufficient to determine the role of this variant in disease. Therefore, it has been classified as a Variant of Uncertain Significance.

NM_000158.4(GBE1):c.809A>T (p.Gln270Leu)

Gene: GBE1 (1,4-alpha-glucan branching enzyme 1; minus strand). Cytogenetic location: 3p12.2.
Variant type: single nucleotide variant.
Coding change: c.809A>T on transcript NM_000158.4 (MANE Select); coding-DNA position 809, A replaced by T.
Protein change: p.Gln270Leu; replaces glutamine 270 with leucine.
Molecular consequence: missense variant.
Genome position (GRCh38, 1-based): chr3:81,642,964, T>A on the plus strand (A>T on the coding strand, the complement: GBE1 is on the minus strand). VCF-style: chr3-81642964-T-A. GRCh37 (hg19) VCF-style: chr3-81692115-T-A.
Other names: c.809A>T (NM_000158.3); short protein forms Q270L.
Identifiers: ClinVar variation 2146516 (VCV002146516.2), dbSNP rs767267597, ClinGen allele CA2499849.